The following is an entry in ClinVar:

NM_000535.7(PMS2):c.2288A>G (p.Glu763Gly)

Gene: PMS2 (PMS1 homolog 2, mismatch repair system component; minus strand). Cytogenetic location: 7p22.1.
Variant type: single nucleotide variant.
Coding change: c.2288A>G on transcript NM_000535.7 (MANE Select); coding-DNA position 2288, A replaced by G.
Protein change: p.Glu763Gly; replaces glutamic acid 763 with glycine.
Molecular consequence: missense variant.
Genome position (GRCh38, 1-based): chr7:5,977,745, T>C on the plus strand (A>G on the coding strand, the complement: PMS2 is on the minus strand). VCF-style: chr7-5977745-T-C. GRCh37 (hg19) VCF-style: chr7-6017376-T-C.
Other names: c.1883A>G, p.Glu628Gly (NM_001322003.2, NM_001322004.2, NM_001322005.2); c.2132A>G, p.Glu711Gly (NM_001322006.2); c.1970A>G, p.Glu657Gly (NM_001322007.2, NM_001322008.2); c.1916A>G, p.Glu639Gly (NM_001322009.2); c.1727A>G, p.Glu576Gly (NM_001322010.2); c.1355A>G, p.Glu452Gly (NM_001322011.2, NM_001322012.2); c.1715A>G, p.Glu572Gly (NM_001322013.2); c.2321A>G, p.Glu774Gly (NM_001322014.2); and 1 more; short protein forms E763G, E452G, E572G, E639G, E660G, E711G, E576G, E628G.
Identifiers: ClinVar variation 127777 (VCV000127777.72), dbSNP rs587780052, ClinGen allele CA011199.
Genomic context (GRCh38, chr7:5,977,745, plus strand): 5'-ACGTCCTGGGGTCCGAAGGTCCAGTTTTTACTAGTTGGCAAGGAAATCAGTTTAGCCCTT[T>C]CAGTGACTGGAGCTAAAAGAATACAATTTTGAGAAAAATCCATGACTTGACAAACACGTT-3'
Protein context (NP_000526.2, residues 753-773): FVIDENAPVT[Glu763Gly]RAKLISLPTS

ClinVar aggregate classification (germline): Conflicting classifications of pathogenicity. Review status: criteria provided, conflicting classifications (1 of 4 stars). 12 submissions from 12 submitters: Uncertain significance (10); Likely benign (1). 1 of the submissions does not count toward it. Last evaluated 2026-01-20.

Conditions:
Hereditary nonpolyposis colorectal neoplasms. Identifiers: MedGen C0009405, MeSH D003123.
Hereditary cancer-predisposing syndrome. Also called: Tumor predisposition; Hereditary neoplastic syndrome; Neoplastic Syndromes, Hereditary; Hereditary Cancer Syndrome. Identifiers: Orphanet 140162, MedGen C0027672, MeSH D009386, MONDO:0015356.
Lynch syndrome 4 (LYNCH4). Also called: Colorectal cancer, hereditary nonpolyposis, type 4; Hereditary non-polyposis colorectal cancer, type 4. Identifiers: Orphanet 144, MedGen C1838333, MONDO:0013699, OMIM 614337. Disease mechanism: loss of function.

Allele frequency attached by ClinVar (database versions not stated): ExAC 0.00001; gnomAD exomes 0.00001; TOPMed 0.00002; gnomAD 0.00003.
gnomAD v4.1: 17 of 1,605,912 alleles (0.0011%); highest among the groups gnomAD compares: Non-Finnish European, 0.0014%; 3 homozygotes.

Submissions (12):

Labcorp Genetics (formerly Invitae), Labcorp
Classification: Uncertain significance for Hereditary nonpolyposis colorectal neoplasms. Last evaluated: 2026-01-20. Review status: criteria provided, single submitter. Criteria: Invitae Variant Classification Sherloc (09022015). Collection method: clinical testing. Allele origin: germline.
Comment: This sequence change replaces glutamic acid, which is acidic and polar, with glycine, which is neutral and non-polar, at codon 763 of the PMS2 protein (p.Glu763Gly). The frequency data for this variant in the population databases (gnomAD) is considered unreliable due to the presence of homologous sequence, such as pseudogenes or paralogs, in the genome. This missense change has been observed in individual(s) with clinical features of Lynch Syndrome (internal data). ClinVar contains an entry for this variant (Variation ID: 127777). Invitae Evidence Modeling incorporating data from in vitro experimental studies (internal data) indicates that this missense variant is not expected to disrupt PMS2 function with a negative predictive value of 95%. RNA analysis performed to evaluate the impact of this missense change on mRNA splicing indicates it does not significantly alter splicing (internal data). In summary, the available evidence is currently insufficient to determine the role of this variant in disease. Therefore, it has been classified as a Variant of Uncertain Significance.

GeneDx
Classification: Uncertain significance. Last evaluated: 2025-07-16. Review status: criteria provided, single submitter. Criteria: GeneDx Variant Classification Process June 2021. Collection method: clinical testing. Allele origin: germline. Affected: yes.
Comment: Not observed at significant frequency in large population cohorts (gnomAD); In silico analysis supports that this missense variant has a deleterious effect on protein structure/function; Has not been previously published as pathogenic or benign to our knowledge; This variant is associated with the following publications: (PMID: 27997540, Fukui2011[Chapter])

Ambry Genetics
Classification: Uncertain significance for Hereditary cancer-predisposing syndrome. Last evaluated: 2025-05-15. Review status: criteria provided, single submitter. Criteria: Ambry Variant Classification Scheme 2023. Collection method: clinical testing. Allele origin: germline.
Comment: The p.E763G variant (also known as c.2288A>G), located in coding exon 14 of the PMS2 gene, results from an A to G substitution at nucleotide position 2288. The glutamic acid at codon 763 is replaced by glycine, an amino acid with similar properties. This amino acid position is not well conserved in available vertebrate species. In addition, this alteration is predicted to be tolerated by in silico analysis. Based on the available evidence, the clinical significance of this variant remains unclear.

Mayo Clinic Laboratories, Mayo Clinic
Classification: Uncertain significance. Last evaluated: 2024-08-29. Review status: criteria provided, single submitter. Criteria: ACMG Guidelines, 2015. Collection method: clinical testing. Allele origin: germline. Observed: 1 variant allele.
Comment: PM2

Color Diagnostics, LLC DBA Color Health
Classification: Uncertain significance for Hereditary cancer-predisposing syndrome. Last evaluated: 2024-03-06. Review status: criteria provided, single submitter. Criteria: ACMG Guidelines, 2015. Collection method: clinical testing. Allele origin: germline.
Comment: This missense variant replaces glutamic acid with glycine at codon 763 of the PMS2 protein. Computational prediction suggests that this variant may not impact protein structure and function (internally defined REVEL score threshold <= 0.5, PMID: 27666373). To our knowledge, functional studies have not been reported for this variant. This variant has not been reported in individuals affected with hereditary cancer in the literature. This variant has been identified in 4/281020 chromosomes in the general population by the Genome Aggregation Database (gnomAD). The available evidence is insufficient to determine the role of this variant in disease conclusively. Therefore, this variant is classified as a Variant of Uncertain Significance.

Baylor Genetics
Classification: Uncertain significance for Lynch syndrome 4. Last evaluated: 2023-10-18. Review status: criteria provided, single submitter. Criteria: ACMG Guidelines, 2015. Collection method: clinical testing. Allele origin: unknown.

CeGaT Center for Human Genetics Tuebingen
Classification: Likely benign. Last evaluated: 2022-09-01. Review status: criteria provided, single submitter. Criteria: CeGaT Center For Human Genetics Tuebingen Variant Classification Criteria Version 2. Collection method: clinical testing. Allele origin: germline. Affected: yes. Observed: 1 variant allele.
Comment: PMS2: BP4

Institute for Clinical Genetics, University Hospital TU Dresden, University Hospital TU Dresden
Classification: Uncertain significance. Last evaluated: 2021-11-03. Review status: criteria provided, single submitter. Criteria: ACMG Guidelines, 2015. Collection method: clinical testing. Allele origin: germline.

Sema4
Classification: Uncertain significance for Hereditary cancer-predisposing syndrome. Last evaluated: 2021-08-23. Review status: criteria provided, single submitter. Criteria: Sema4 Curation Guidelines. Collection method: curation. Allele origin: germline.
Comment: To the best of our knowledge, the PMS2 c.2288A>G (p.E763G) variant has not been reported in individuals with PMS2-related disease. It was observed in 4/127942 chromosomes of the Non-Finnish European subpopulation, including one homozygote, in the large and broad cohorts of the Genome Aggregation Database (PMID: 32461654). The variant has been reported in ClinVar (Variation ID: 127777). Functional studies have not been performed, and in silico predictions of the variant's effect on protein function are inconclusive. The evidence is insufficient to meet ACMG/AMP criteria for classifying the variant as benign or pathogenic. Thus, the clinical significance of this variant is currently uncertain.

Quest Diagnostics Nichols Institute San Juan Capistrano
Classification: Uncertain significance. Last evaluated: 2019-01-15. Review status: criteria provided, single submitter. Criteria: Quest Diagnostics criteria. Collection method: clinical testing. Allele origin: germline.

Institute of Human Genetics, University of Leipzig Medical Center
Classification: Uncertain significance for Lynch syndrome 4. Last evaluated: 2019-01-01. Review status: criteria provided, single submitter. Criteria: ACMG Guidelines, 2015. Collection method: clinical testing. Allele origin: unknown. Affected: yes.

Department of Pathology and Laboratory Medicine, Sinai Health System
Classification: Uncertain significance. Review status: no assertion criteria provided. Collection method: clinical testing. Allele origin: unknown. Affected: yes. Study: The Canadian Open Genetics Repository (COGR). Not counted in ClinVar's aggregate classification.
Comment: The PMS2 p.E763G variant was not identified in the literature but was identified in dbSNP (ID: rs587780052) and ClinVar (classified as uncertain significance by Ambry Genetics, GeneDx, Invitae, Quest Diagnostics and CeGaT Praxis fuer Humangenetik Tuebingen). The variant was identified in control databases in 3 of 266546 chromosomes (1 homozygous) at a frequency of 0.00001126 (Genome Aggregation Database March 6, 2019, v2.1.1, non-cancer). The variant was observed in the European (non-Finnish) population in 3 of 116982 chromosomes (freq: 0.000026), but was not observed in the African, Latino, Ashkenazi Jewish, East Asian, European (Finnish), Other, or South Asian populations. The p.E763 residue is conserved in mammals and computational analyses (PolyPhen-2, SIFT, AlignGVGD, BLOSUM, MutationTaster) provide inconsistent predictions regarding the impact to the protein; this information is not very predictive of pathogenicity. The variant occurs outside of the splicing consensus sequence and in silico or computational prediction software programs (SpliceSiteFinder, MaxEntScan, NNSPLICE, GeneSplicer) do not predict a difference in splicing. In summary, based on the above information the clinical significance of this variant cannot be determined with certainty at this time. This variant is classified as a variant of uncertain significance.